The following is an entry in ClinVar:

NM_001853.4(COL9A3):c.423G>C (p.Pro141=)

Gene: COL9A3 (collagen type IX alpha 3 chain; plus strand). Cytogenetic location: 20q13.33.
Variant type: single nucleotide variant.
Coding change: c.423G>C on transcript NM_001853.4 (MANE Select); coding-DNA position 423, G replaced by C.
Protein change: p.Pro141=; no amino-acid change (proline 141 retained).
Molecular consequence: synonymous variant.
Genome position (GRCh38, 1-based): chr20:62,821,810, G>C. VCF-style: chr20-62821810-G-C. GRCh37 (hg19) VCF-style: chr20-61453162-G-C.
Identifiers: ClinVar variation 3728227 (VCV003728227.2).
Genomic context (GRCh38, chr20:62,821,810, plus strand): 5'-CCTCCAGGGAGAGGCAGGAGTGAGCGGCCCCCCAGGTGGGATCGGCCTCCGCGGCCCCCC[G>C]GTGAGTGGCTGTCCCAGAGCCCCTCAGAGTGTGCTCACCTGTGGCCTCCACCCCCAGACT-3'
Protein context (NP_001844.3, residues 131-151): PPGGIGLRGP[Pro141=]GPSGLPGLPG

ClinVar aggregate classification (germline): Uncertain significance (1 of 4 stars; one submission).

Submission:

Labcorp Genetics (formerly Invitae), Labcorp
Classification: Uncertain significance. Last evaluated: 2025-01-17. Review status: criteria provided, single submitter. Criteria: Invitae Variant Classification Sherloc (09022015). Collection method: clinical testing. Allele origin: germline.
Comment: This sequence change affects codon 141 of the COL9A3 mRNA. It is a 'silent' change, meaning that it does not change the encoded amino acid sequence of the COL9A3 protein. This variant also falls at the last nucleotide of exon 8, which is part of the consensus splice site for this exon. This variant is not present in population databases (gnomAD no frequency). This variant has not been reported in the literature in individuals affected with COL9A3-related conditions. Variants that disrupt the consensus splice site are a relatively common cause of aberrant splicing (PMID: 17576681, 9536098). Algorithms developed to predict the effect of sequence changes on RNA splicing suggest that this variant may disrupt the consensus splice site. In summary, the available evidence is currently insufficient to determine the role of this variant in disease. Therefore, it has been classified as a Variant of Uncertain Significance.

Literature cited by the submitters: PubMed 17576681; PubMed 9536098.